The following is an entry in ClinVar:

ClinVar aggregate classification (germline): Pathogenic/Likely pathogenic. Review status: criteria provided, multiple submitters, no conflicts (2 of 4 stars). 8 submissions from 8 submitters: Pathogenic (5); Likely pathogenic (2). 1 of the submissions does not count toward it. Last evaluated 2026-09-17.

Conditions:
Metachromatic leukodystrophy (MLD). Also called: ARSA DEFICIENCY; CEREBROSIDE SULFATASE DEFICIENCY; Cerebral sclerosis diffuse metachromatic form; METACHROMATIC LEUKOENCEPHALOPATHY; Arylsulfatase A Deficiency; SULFATIDE LIPIDOSIS. Identifiers: Orphanet 512, MedGen C0023522, MONDO:0018868, OMIM 250100.
Inborn genetic diseases. Identifiers: MedGen C0950123, MeSH D030342.

Allele frequency attached by ClinVar (database versions not stated): ExAC 0.00003; ESP Exome Variant Server 0.00008; gnomAD exomes 0.00001; gnomAD 0.00002; TOPMed 0.00002.
gnomAD v4.1: 28 of 1,601,420 alleles (0.0017%); highest among the groups gnomAD compares: Admixed American, 0.0053%; no homozygotes.

Submissions (8):

Laboratory of Experimental Gene Therapy of Hereditary Metabolic Diseases, Research Centre for Medical Genetics
Classification: Likely pathogenic for Metachromatic leukodystrophy. Last evaluated: 2026-09-17. Review status: criteria provided, single submitter. Criteria: ARSA MLD Assertion Criteria V2 2026 09 18. Collection method: clinical testing. Allele origin: germline. Inheritance: Autosomal recessive inheritance. Affected: yes. Observed: 1 variant allele, 1 compound heterozygote.
Comment: The previously reported Likely pathogenic classification was reviewed and retained for the accompanying study. External ClinVar record reviewed: VCV000372303.19. Observations from the present referral series were not used to establish pathogenicity.

Labcorp Genetics (formerly Invitae), Labcorp
Classification: Pathogenic for Metachromatic leukodystrophy. Last evaluated: 2026-01-28. Review status: criteria provided, single submitter. Criteria: Invitae Variant Classification Sherloc (09022015). Collection method: clinical testing. Allele origin: germline.
Comment: This sequence change replaces glycine, which is neutral and non-polar, with serine, which is neutral and polar, at codon 327 of the ARSA protein (p.Gly327Ser). This variant also falls at the last nucleotide of exon 5, which is part of the consensus splice site for this exon. This variant is present in population databases (rs148092995, gnomAD 0.008%). This missense change has been observed in individual(s) with metachromatic leukodystrophy (PMID: 14517960, 26462614, 28762252). This variant is also known as c.973G>A (p.Gly325Ser). ClinVar contains an entry for this variant (Variation ID: 372303). An algorithm developed to predict the effect of missense changes on protein structure and function (PolyPhen-2) suggests that this variant is likely to be disruptive. Variants that disrupt the consensus splice site are a relatively common cause of aberrant splicing (PMID: 17576681, 9536098). Algorithms developed to predict the effect of sequence changes on RNA splicing suggest that this variant may disrupt the consensus splice site. For these reasons, this variant has been classified as Pathogenic.

GeneDx
Classification: Pathogenic. Last evaluated: 2025-11-06. Review status: criteria provided, single submitter. Criteria: GeneDx Variant Classification Process June 2021. Collection method: clinical testing. Allele origin: germline. Affected: yes.
Comment: Not observed at significant frequency in large population cohorts (gnomAD); Alters the last nucleotide of the exon and is predicted to destroy the splice donor site and result in aberrant splicing, although in the absence of functional evidence the actual effect of this sequence change is unknown; This variant is associated with the following publications: (PMID: 38693247, 14517960, 26462614, Gunbey2022[CaseReport], 38330194, 34554397)

Natera, Inc.
Classification: Pathogenic for Metachromatic leukodystrophy. Last evaluated: 2025-08-14. Review status: criteria provided, single submitter. Criteria: Natera Variant Classification Schema (03/2026). Collection method: clinical testing. Allele origin: germline.
Comment: The c.979G>A variant in ARSA is a missense variant predicted to cause substitution of glycine to serine at amino acid 327. This variant is rare in the general population with a frequency below the threshold expected for the associated phenotype(s). This variant has been observed in one or more individuals affected with the associated recessive disease, as either homozygous or compound heterozygous with a second variant (PMID: 25965562, 26462614, 34554397, 36240581, 38330194, 38693247). Functional studies show that this variant may disrupt protein function (PMID: 28762252, 36240581). Computational prediction algorithms indicate this variant is likely to affect gene or protein function. Given the available evidence, this variant is classified as Pathogenic.

Women's Health and Genetics/Laboratory Corporation of America, LabCorp
Classification: Pathogenic for Metachromatic leukodystrophy. Last evaluated: 2022-03-16. Review status: criteria provided, single submitter. Criteria: LabCorp Variant Classification Summary - May 2015. Collection method: clinical testing. Allele origin: germline.
Comment: Variant summary: ARSA c.979G>A (p.Gly327Ser) results in a non-conservative amino acid change in the encoded protein sequence. Four of four in-silico tools predict a damaging effect of the variant on protein function. As the variant alters a conserved nucleotide located at the end of exon adjacent to the canonical splice donor site, several computational tools predict a significant impact on normal splicing: Four predict the variant abolishes the canonical 5' splicing donor site. However, these predictions have yet to be confirmed by functional studies. The variant allele was found at a frequency of 1.3e-05 in 223840 control chromosomes. c.979G>A has been reported in the literature as homozygous and compound heterozygous genotypes in multiple individuals affected with Metachromatic leukodystrophy (example, Eng_2003, Virgens_2015, Bohringer_2017, Abtahi_2022). These data indicate that the variant is very likely to be associated with disease. At least one publication reports experimental evidence evaluating an impact on protein function. The most pronounced variant effect results in <10% of normal Arylsulfatase enzyme activity with increased urinary sulfatides at diagnosis (example, Bohringer_2017). Three clinical diagnostic laboratories have submitted clinical-significance assessments for this variant to ClinVar after 2014 without evidence for independent evaluation. All laboratories classified the variant as pathogenic/likely pathogenic. Based on the evidence outlined above, the variant was classified as pathogenic.

Revvity Omics, Revvity
Classification: Likely pathogenic for Metachromatic leukodystrophy. Last evaluated: 2021-12-01. Review status: criteria provided, single submitter. Criteria: ACMG Guidelines, 2015. Collection method: clinical testing. Allele origin: germline.

Ambry Genetics
Classification: Pathogenic for Inborn genetic diseases. Last evaluated: 2021-06-30. Review status: criteria provided, single submitter. Criteria: Ambry Variant Classification Scheme 2023. Collection method: clinical testing. Allele origin: germline.
Comment: The c.979G>A (p.G327S) alteration is located in exon 5 (coding exon 5) of the ARSA gene. This alteration results from a G to A substitution at nucleotide position 979, causing the glycine (G) at amino acid position 327 to be replaced by a serine (S). This change occurs in the last base pair of coding exon5, which makes it likely to have some effect on normal mRNA splicing. This mutation has been reported in the compound heterozygous state in several individuals with metachromatic leukodystrophy (Kreysing, 1993; Bern&aacute;, 2004; Luzi, 2013; Cesani, 2016). Based on the available evidence, this alteration is classified as pathogenic.

Counsyl
Classification: Likely pathogenic for Metachromatic leukodystrophy. Last evaluated: 2019-04-11. Review status: no assertion criteria provided. Collection method: clinical testing. Allele origin: unknown. Not counted in ClinVar's aggregate classification.

Literature cited by the submitters: PubMed 14517960 (cited by 3 submitters); PubMed 26462614 (cited by 4 submitters); PubMed 28762252 (cited by 4 submitters); PubMed 17576681 (cited by Labcorp Genetics (formerly Invitae), Labcorp); PubMed 9536098 (cited by Labcorp Genetics (formerly Invitae), Labcorp); PubMed 25965562 (cited by 3 submitters); PubMed 34554397 (cited by Natera, Inc. and Women's Health and Genetics/Laboratory Corporation of America, LabCorp); PubMed 36240581 (cited by Natera, Inc.); PubMed 38330194 (cited by Natera, Inc.); PubMed 38693247 (cited by Natera, Inc.); PubMed 8101038 (cited by Ambry Genetics); PubMed 15326627 (cited by Ambry Genetics); PubMed 24001781 (cited by Ambry Genetics).

NM_000487.6(ARSA):c.979G>A (p.Gly327Ser)

Gene: ARSA (arylsulfatase A; minus strand). Cytogenetic location: 22q13.33.
Variant type: single nucleotide variant.
Coding change: c.979G>A on transcript NM_000487.6 (MANE Select); coding-DNA position 979, G replaced by A.
Protein change: p.Gly327Ser; replaces glycine 327 with serine.
Molecular consequence: missense variant.
Genome position (GRCh38, 1-based): chr22:50,626,154, C>T on the plus strand (G>A on the coding strand, the complement: ARSA is on the minus strand). VCF-style: chr22-50626154-C-T. GRCh37 (hg19) VCF-style: chr22-51064582-C-T.
Other names: NP_000478.3:p.(Gly327Ser); c.979G>A, p.Gly327Ser (NM_001085425.3, NM_001085426.3, NM_001085427.3); c.721G>A, p.Gly241Ser (NM_001085428.3, NM_001362782.2); short protein forms G327S, G241S.
Identifiers: ClinVar variation 372303 (VCV000372303.20), dbSNP rs148092995, ClinGen allele CA10324863.